The following is an entry in ClinVar:

ClinVar aggregate classification (germline): Pathogenic (1 of 4 stars; one submission).

Conditions:
Marfan syndrome (MFS). Also called: MARFAN SYNDROME, TYPE I; Marfan syndrome type 1; Marfan's syndrome; Marfan syndrome, classic; FBN1-Related Marfan Syndrome. Identifiers: Orphanet 284963, Orphanet 558, MedGen C0024796, MONDO:0007947, OMIM 154700.
Familial thoracic aortic aneurysm and aortic dissection (TAAD). Also called: Thoracic aortic aneurysms and dissections. Identifiers: Orphanet 91387, MedGen C4707243, MONDO:0019625.

Submission:

Labcorp Genetics (formerly Invitae), Labcorp
Classification: Pathogenic for Marfan syndrome; Familial thoracic aortic aneurysm and aortic dissection. Last evaluated: 2023-02-28. Review status: criteria provided, single submitter. Criteria: Invitae Variant Classification Sherloc (09022015). Collection method: clinical testing. Allele origin: germline.
Comment: For these reasons, this variant has been classified as Pathogenic. This variant disrupts the p.Cys711 amino acid residue in FBN1. Other variant(s) that disrupt this residue have been observed in individuals with FBN1-related conditions (PMID: 8863159, 27906200; Invitae), which suggests that this may be a clinically significant amino acid residue. This variant affects a cysteine residue in the EGF-like, TGFBP or hybrid motif domains of FBN1. Cysteine residues are believed to be involved in intramolecular disulfide bridges and have been shown to be important for FBN1 protein structure (PMID: 16905551, 19349279). In addition, missense substitutions affecting cysteine residues within these domains are significantly overrepresented among patients with Marfan syndrome (PMID: 16571647, 17701892). Advanced modeling of protein sequence and biophysical properties (such as structural, functional, and spatial information, amino acid conservation, physicochemical variation, residue mobility, and thermodynamic stability) performed at Invitae indicates that this missense variant is expected to disrupt FBN1 protein function. This variant has not been reported in the literature in individuals affected with FBN1-related conditions. This variant is not present in population databases (gnomAD no frequency). This sequence change replaces cysteine, which is neutral and slightly polar, with phenylalanine, which is neutral and non-polar, at codon 711 of the FBN1 protein (p.Cys711Phe).

Literature cited by the submitters: PubMed 8863159; PubMed 27906200; PubMed 16905551; PubMed 19349279; PubMed 16571647; PubMed 17701892.

NM_000138.5(FBN1):c.2132G>T (p.Cys711Phe)

Gene: FBN1 (fibrillin 1; minus strand). Cytogenetic location: 15q21.1.
Variant type: single nucleotide variant.
Coding change: c.2132G>T on transcript NM_000138.5 (MANE Select); coding-DNA position 2132, G replaced by T.
Protein change: p.Cys711Phe; replaces cysteine 711 with phenylalanine.
Molecular consequence: missense variant.
Genome position (GRCh38, 1-based): chr15:48,499,020, C>A on the plus strand (G>T on the coding strand, the complement: FBN1 is on the minus strand). VCF-style: chr15-48499020-C-A. GRCh37 (hg19) VCF-style: chr15-48791217-C-A.
Other names: c.2132G>T, p.Cys711Phe (NM_001406716.1); short protein forms C711F.
Identifiers: ClinVar variation 2944370 (VCV002944370.3), dbSNP rs2505580391, ClinGen allele CA392336316.